The following is an entry in ClinVar:

NM_002227.4(JAK1):c.2792A>G (p.Asn931Ser)

Gene: JAK1 (Janus kinase 1; minus strand). Cytogenetic location: 1p31.3.
Variant type: single nucleotide variant.
Coding change: c.2792A>G on transcript NM_002227.4 (MANE Select); coding-DNA position 2792, A replaced by G.
Protein change: p.Asn931Ser; replaces asparagine 931 with serine.
Molecular consequence: missense variant.
Genome position (GRCh38, 1-based): chr1:64,839,653, T>C on the plus strand (A>G on the coding strand, the complement: JAK1 is on the minus strand). VCF-style: chr1-64839653-T-C. GRCh37 (hg19) VCF-style: chr1-65305336-T-C.
Other names: c.2792A>G, p.Asn931Ser (NM_001320923.2, NM_001321852.2, NM_001321853.2 and 3 more transcripts); c.2789A>G, p.Asn930Ser (NM_001321857.2); short protein forms N930S, N931S.
Identifiers: ClinVar variation 1982144 (VCV001982144.4), dbSNP rs1328417891, ClinGen allele CA340664528.

ClinVar aggregate classification (germline): Uncertain significance (1 of 4 stars; one submission).

Allele frequency attached by ClinVar (database versions not stated): TOPMed below 0.00001; gnomAD 0.00001.
gnomAD v4.1: 1 of 1,614,044 alleles (0.000062%); highest among the groups gnomAD compares: African/African-American, 0.0013%; no homozygotes.

Submission:

Labcorp Genetics (formerly Invitae), Labcorp
Classification: Uncertain significance. Last evaluated: 2022-10-01. Review status: criteria provided, single submitter. Criteria: Invitae Variant Classification Sherloc (09022015). Collection method: clinical testing. Allele origin: germline.
Comment: In summary, the available evidence is currently insufficient to determine the role of this variant in disease. Therefore, it has been classified as a Variant of Uncertain Significance. Advanced modeling of protein sequence and biophysical properties (such as structural, functional, and spatial information, amino acid conservation, physicochemical variation, residue mobility, and thermodynamic stability) performed at Invitae indicates that this missense variant is not expected to disrupt JAK1 protein function. This variant has not been reported in the literature in individuals affected with JAK1-related conditions. This variant is not present in population databases (gnomAD no frequency). This sequence change replaces asparagine, which is neutral and polar, with serine, which is neutral and polar, at codon 931 of the JAK1 protein (p.Asn931Ser).